The following is an entry in ClinVar:

ClinVar aggregate classification (germline): Uncertain significance (1 of 4 stars; one submission).

Conditions:
Long QT syndrome 11 (LQT11). Identifiers: Orphanet 101016, Orphanet 768, MedGen C2678483, MONDO:0012738, OMIM 611820.

Submission:

Victorian Clinical Genetics Services, Murdoch Childrens Research Institute
Classification: Uncertain significance for Long QT syndrome 11. Last evaluated: 2020-05-26. Review status: criteria provided, single submitter. Criteria: ACMG Guidelines, 2015. Collection method: clinical testing. Allele origin: germline. Inheritance: Autosomal dominant inheritance.
Comment: Based on the classification scheme VCGS_Germline_v1.1.1, this variant is classified as VUS – 3B. Following criteria are met: 0105 - The mechanism of disease for this gene is not clearly established. (N) 0107 - This gene is known to be associated with autosomal dominant disease. (N) 0200 - Variant is predicted to result in a missense amino acid change from leucine to tryptophan (exon 45) (N) 0251 - Variant is heterozygous. (N) 0301 - Variant is absent from gnomAD. (P) 0309 - An alternative amino acid change at the same position has been observed in gnomAD: p.(Leu3660Ser) (1 heterozygote). (N) 0503 - Missense variant not conserved in mammals with a minor amino acid change. (N) 0600 - Variant is located in an annotated domain or motif (coiled coil domain; PDB) (N) 0705 - No comparable variants have previous evidence for pathogenicity. (N) 0807 - Variant has not previously been reported in a clinical context. (N) 0905 - No segregation evidence has been identified for this variant. (N) 1007 - No published functional evidence has been identified for this variant. (N) 1208 - Inheritance information for this variant is not currently available. (N) Legand: (P) – Pathogenic, (N) – Neutral, (B) - Benign

NM_005751.5(AKAP9):c.10979T>G (p.Leu3660Trp)

Gene: AKAP9 (A-kinase anchoring protein 9; plus strand). Cytogenetic location: 7q21.2.
Variant type: single nucleotide variant.
Coding change: c.10979T>G on transcript NM_005751.5 (MANE Select); coding-DNA position 10979, T replaced by G.
Protein change: p.Leu3660Trp; replaces leucine 3660 with tryptophan.
Molecular consequence: missense variant.
Genome position (GRCh38, 1-based): chr7:92,100,938, T>G. VCF-style: chr7-92100938-T-G. GRCh37 (hg19) VCF-style: chr7-91730252-T-G.
Other names: c.5624T>G, p.Leu1875Trp (NM_001379277.1); c.10955T>G, p.Leu3652Trp (NM_147185.3); short protein forms L1875W, L3652W, L3660W.
Identifiers: ClinVar variation 1699378 (VCV001699378.3), dbSNP rs1263587542, ClinGen allele CA368159975.